The following is an entry in ClinVar:

ClinVar aggregate classification (germline): Uncertain significance. Review status: criteria provided, multiple submitters, no conflicts (2 of 4 stars). 4 submissions from 4 submitters: Uncertain significance (4). Last evaluated 2025-06-11.

Conditions:
Progressive external ophthalmoplegia with mitochondrial DNA deletions, autosomal dominant 1 (PEOA1). Also called: Autosomal Dominant Progressive External Ophthalmoplegia (adPEO); PROGRESSIVE EXTERNAL OPHTHALMOPLEGIA, AUTOSOMAL DOMINANT 1. Identifiers: MedGen C1834846, MONDO:0024528, OMIM 157640.
Progressive sclerosing poliodystrophy (MTDPS4A). Also called: Alpers-Huttenlocher Syndrome (AHS); Alpers Syndrome; ALPERS PROGRESSIVE INFANTILE POLIODYSTROPHY; Mitochondrial DNA depletion syndrome 4A (Alpers type); ALPERS DIFFUSE DEGENERATION OF CEREBRAL GRAY MATTER WITH HEPATIC CIRRHOSIS; Alpers-Huttenlocher Syndrome. Identifiers: Orphanet 726, MedGen C0205710, MONDO:0008758, OMIM 203700.
Mitochondrial DNA depletion syndrome 4b. Also called: Mitochondrial Neurogastrointestinal Encephalopathy Disease, POLG-Related; MNGIE, POLG-RELATED. Identifiers: Orphanet 298, MedGen C3150914, MONDO:0013350, OMIM 613662.
Mitochondrial DNA depletion syndrome 1. Also called: Mitochondrial neurogastrointestinal encephalomyopathy syndrome; Mitochondrial Neurogastrointestinal Encephalopathy Disease; MITOCHONDRIAL NEUROGASTROINTESTINAL ENCEPHALOPATHY SYNDROME, TYMP-RELATED; MNGIE, TYMP-RELATED; Mitochondrial DNA Depletion Syndrome, MNGIE Form; Mitochondrial DNA depletion syndrome 1 (MNGIE type). Identifiers: Orphanet 298, MedGen C4551995, MONDO:0011283, OMIM 603041.
Sensory ataxic neuropathy, dysarthria, and ophthalmoparesis (SANDO). Also called: Ataxia Neuropathy Spectrum (ANS); Sensory ataxic neuropathy-dysarthria-ophthalmoparesis syndrome; SENSORY ATAXIC NEUROPATHY WITH MITOCHONDRIAL DNA DELETIONS, AUTOSOMAL RECESSIVE; Epilepsy, progressive myoclonic, type 5. Identifiers: Orphanet 70595, MedGen C1843851, MONDO:0011835, OMIM 607459.
Progressive external ophthalmoplegia with mitochondrial DNA deletions, autosomal recessive 1 (PEOB1). Also called: Progressive external ophthalmoplegia, autosomal recessive 1; Autosomal Recessive Progressive External Ophthalmoplegia (arPEO). Identifiers: Orphanet 254886, MedGen C4225153, MONDO:0009783, OMIM 258450.

Submissions (4):

Labcorp Genetics (formerly Invitae), Labcorp
Classification: Uncertain significance for Progressive sclerosing poliodystrophy. Last evaluated: 2025-06-11. Review status: criteria provided, single submitter. Criteria: Invitae Variant Classification Sherloc (09022015). Collection method: clinical testing. Allele origin: germline.
Comment: This variant, c.2077_2079del, results in the deletion of 1 amino acid(s) of the POLG protein (p.Glu693del), but otherwise preserves the integrity of the reading frame. This variant is present in population databases (rs760784347, gnomAD 0.006%). This variant has not been reported in the literature in individuals affected with POLG-related conditions. Experimental studies and prediction algorithms are not available or were not evaluated, and the functional significance of this variant is currently unknown. In summary, the available evidence is currently insufficient to determine the role of this variant in disease. Therefore, it has been classified as a Variant of Uncertain Significance.

Women's Health and Genetics/Laboratory Corporation of America, LabCorp
Classification: Uncertain significance. Last evaluated: 2025-02-06. Review status: criteria provided, single submitter. Criteria: LabCorp Variant Classification Summary - May 2015. Collection method: clinical testing. Allele origin: germline.
Comment: Variant summary: POLG c.2077_2079delGAA (p.Glu693del) results in an in-frame deletion that is predicted to remove one amino acid from the encoded protein. The variant allele was found at a frequency of 1.2e-05 in 251404 control chromosomes. The available data on variant occurrences in the general population are insufficient to allow any conclusion about variant significance. To our knowledge, no occurrence of c.2077_2079delGAA in individuals affected with POLG-Related Spectrum Disorders and no experimental evidence demonstrating its impact on protein function have been reported. ClinVar contains an entry for this variant (Variation ID: 619415). Based on the evidence outlined above, the variant was classified as uncertain significance.

Fulgent Genetics
Classification: Uncertain significance for Progressive external ophthalmoplegia with mitochondrial DNA deletions, autosomal dominant 1; Progressive sclerosing poliodystrophy; Progressive external ophthalmoplegia with mitochondrial DNA deletions, autosomal recessive 1; Mitochondrial DNA depletion syndrome 1; Sensory ataxic neuropathy, dysarthria, and ophthalmoparesis; Mitochondrial DNA depletion syndrome 4b. Last evaluated: 2021-08-06. Review status: criteria provided, single submitter. Criteria: ACMG Guidelines, 2015. Collection method: clinical testing. Allele origin: unknown.

Wong Mito Lab, Molecular and Human Genetics, Baylor College of Medicine
Classification: Uncertain significance for Progressive sclerosing poliodystrophy. Last evaluated: 2018-10-01. Review status: criteria provided, single submitter. Criteria: ACMG Guidelines, 2015. Collection method: clinical testing. Allele origin: germline.
Comment: The NM_002693.2:c.2077_2079del (NP_002684.1:p.Glu693del) [GRCH38: NC_000015.10:g.89323897_89323899del] variant in POLG gene is interpretated to be a Uncertain Significance based on ACMG guidelines (PMID: 25741868). This variant meets the following evidence codes reported in the ACMG-guideline. BP4:Computational evidence/predictors indicate no impact on the POLG structure, function, or protein-protein interaction. PM2:This variant is absent in key population databases. Based on the evidence criteria codes applied, the variant is suggested to be Uncertain Significance.

NM_002693.3(POLG):c.2074GAA[1] (p.Glu693del)

Gene: POLG (DNA polymerase gamma, catalytic subunit; minus strand). Cytogenetic location: 15q26.1.
Variant type: Microsatellite.
Coding change: c.2074GAA[1] on transcript NM_002693.3 (MANE Select); one copy of the 3-base unit GAA starting at c.2074; the reference has two copies in a row; one copy, 3 bases deleted; also written c.2077_2079del.
Protein change: p.Glu693del; deletes glutamic acid 693.
Molecular consequence: inframe deletion.
Genome position (GRCh38, 1-based): chr15:89,323,893-89,323,895, TTC deleted on the plus strand (GAA on the coding strand, the reverse complement: POLG is on the minus strand); deleting any 3 consecutive bases within chr15:89,323,893-89,323,899 gives the same sequence; the position shown is the placement nearest the transcript's 3' end. VCF-style (leftmost placement, unchanged base first): chr15-89323892-GTTC-G. GRCh37 (hg19) VCF-style: chr15-89867123-GTTC-G.
Other names: c.2077_2079delGAA (NM_002693.2, NM_002693.3); c.2077_2079del (NM_002693.3); c.2074GAA[1], p.Glu693del (NM_001126131.2); short protein forms E693del.
Identifiers: ClinVar variation 619415 (VCV000619415.12), dbSNP rs760784347, ClinGen allele CA7724589.